The following is an entry in ClinVar:

ClinVar aggregate classification (germline): Pathogenic (1 of 4 stars; one submission).

Conditions:
Congenital blindness. Identifiers: MedGen C0005754, HP:0007875.

Submission:

Pars Genome Lab
Classification: Pathogenic for Congenital Blindness. Last evaluated: 2022-01-10. Review status: criteria provided, single submitter. Criteria: ACMG Guidelines, 2015. Collection method: clinical testing. Allele origin: germline. Inheritance: Autosomal recessive inheritance. Affected: yes.

NM_000180.4(GUCY2D):c.3026T>A (p.Met1009Lys)

Gene: GUCY2D (guanylate cyclase 2D, retinal; plus strand). Cytogenetic location: 17p13.1.
Variant type: single nucleotide variant.
Coding change: c.3026T>A on transcript NM_000180.4 (MANE Select); coding-DNA position 3026, T replaced by A.
Protein change: p.Met1009Lys; replaces methionine 1009 with lysine.
Molecular consequence: missense variant.
Genome position (GRCh38, 1-based): chr17:8,015,824, T>A. VCF-style: chr17-8015824-T-A. GRCh37 (hg19) VCF-style: chr17-7919142-T-A.
Other names: short protein forms M1009K.
Identifiers: ClinVar variation 1333159 (VCV001333159.2), dbSNP rs1452774826, ClinGen allele CA397955397.